The following is an entry in ClinVar:

ClinVar aggregate classification (germline): Benign. Review status: criteria provided, multiple submitters, no conflicts (2 of 4 stars). 5 submissions from 5 submitters: Benign (4). 1 of the submissions does not count toward it. Last evaluated 2021-10-25.

Conditions:
POF1B-related disorder. Also called: POF1B-related condition.
Premature ovarian failure 2B. Identifiers: MedGen C1845105, MONDO:0010373, OMIM 300604.

Allele frequency attached by ClinVar (database versions not stated): ESP Exome Variant Server 0.83054; gnomAD 0.83863; gnomAD exomes 0.83985; TOPMed 0.84664; ExAC 0.85300; 1000 Genomes Project 0.91205; 1000 Genomes Project 30x 0.91217.

Submissions (5):

Genome-Nilou Lab
Classification: Benign for Premature ovarian failure 2B. Last evaluated: 2021-10-25. Review status: criteria provided, single submitter. Criteria: ACMG Guidelines, 2015. Collection method: clinical testing. Allele origin: germline. Affected: no.

Illumina Laboratory Services, Illumina
Classification: Benign for Premature ovarian failure 2B. Last evaluated: 2018-01-13. Review status: criteria provided, single submitter. Criteria: ICSL Variant Classification Criteria 13 December 2019. Collection method: clinical testing. Allele origin: germline.
Comment: This variant was observed in the ICSL laboratory as part of a predisposition screen in an ostensibly healthy population. It had not been previously curated by ICSL or reported in the Human Gene Mutation Database (HGMD: prior to June 1st, 2018), and was therefore a candidate for classification through an automated scoring system. Utilizing variant allele frequency, disease prevalence and penetrance estimates, and inheritance mode, an automated score was calculated to assess if this variant is too frequent to cause the disease. Based on the score and internal cut-off values, a variant classified as benign is not then subjected to further curation. The score for this variant resulted in a classification of benign for this disease.

GeneDx
Classification: Benign. Last evaluated: 2015-03-03. Review status: criteria provided, single submitter. Criteria: GeneDx Variant Classification Process June 2021. Collection method: clinical testing. Allele origin: germline. Affected: yes.

Breakthrough Genomics
Classification: Benign. Review status: criteria provided, single submitter. Criteria: ACMG Guidelines, 2015. Collection method: not provided. Allele origin: germline. Inheritance: X-linked inheritance. Affected: yes.

PreventionGenetics, part of Exact Sciences
Classification: Benign for POF1B-related condition. Last evaluated: 2019-07-24. Review status: no assertion criteria provided. Collection method: clinical testing. Allele origin: germline. Not counted in ClinVar's aggregate classification.
Comment: This variant is classified as benign based on ACMG/AMP sequence variant interpretation guidelines (Richards et al. 2015 PMID: 25741868, with internal and published modifications).

NM_024921.4(POF1B):c.1045A>T (p.Met349Leu)

Gene: POF1B (POF1B actin binding protein; minus strand). Cytogenetic location: Xq21.1.
Variant type: single nucleotide variant.
Coding change: c.1045A>T on transcript NM_024921.4 (MANE Select); coding-DNA position 1045, A replaced by T.
Protein change: p.Met349Leu; replaces methionine 349 with leucine.
Molecular consequence: missense variant.
Genome position (GRCh38, 1-based): chrX:85,308,129, T>A on the plus strand (A>T on the coding strand, the complement: POF1B is on the minus strand). VCF-style: chrX-85308129-T-A. GRCh37 (hg19) VCF-style: chrX-84563135-T-A.
Other names: c.1045A>T, p.Met349Leu (NM_001307940.2); short protein forms M349L.
Identifiers: ClinVar variation 368787 (VCV000368787.12), dbSNP rs363774, ClinGen allele CA10465039.
Genomic context (GRCh38, chrX:85,308,129, plus strand): 5'-GTATTAGGAAGCTAGTAACTAGAAAGGCTTTGGAAAAAATCAAAATAAATCTTACTGTCA[T>A]ATCATTTTGAAGATGTCCAAGCTCCTCCCGTATGTTGCTAAATGTGGACAGCACTAGTCG-3'
Protein context (NP_079197.3, residues 339-359): REELGHLQND[Met349Leu]TSLENDKMRL